The following is an entry in ClinVar:

ClinVar aggregate classification (germline): Conflicting classifications of pathogenicity. Review status: criteria provided, conflicting classifications (1 of 4 stars). 2 submissions from 2 submitters: Uncertain significance (1); Likely benign (1). Last evaluated 2025-06-17.

Conditions:
Adams-Oliver syndrome 5 (AOS5). Identifiers: Orphanet 974, MedGen C4014970, MONDO:0014459, OMIM 616028.

Allele frequency attached by ClinVar (database versions not stated): TOPMed below 0.00001; ExAC 0.00001; gnomAD 0.00001; gnomAD exomes 0.00001.
gnomAD v4.1: 13 of 1,612,708 alleles (0.00081%); highest among the groups gnomAD compares: Non-Finnish European, 0.00093%; no homozygotes.

Submissions (2):

Labcorp Genetics (formerly Invitae), Labcorp
Classification: Likely benign for Adams-Oliver syndrome 5. Last evaluated: 2025-06-17. Review status: criteria provided, single submitter. Criteria: Invitae Variant Classification Sherloc (09022015). Collection method: clinical testing. Allele origin: germline.

Mayo Clinic Laboratories, Mayo Clinic
Classification: Uncertain significance. Last evaluated: 2022-03-08. Review status: criteria provided, single submitter. Criteria: ACMG Guidelines, 2015. Collection method: clinical testing. Allele origin: germline. Observed: 4 variant alleles.
Comment: PP2

NM_017617.5(NOTCH1):c.6542A>G (p.Lys2181Arg)

Gene: NOTCH1 (notch receptor 1; minus strand). Cytogenetic location: 9q34.3.
Variant type: single nucleotide variant.
Coding change: c.6542A>G on transcript NM_017617.5 (MANE Select); coding-DNA position 6542, A replaced by G.
Protein change: p.Lys2181Arg; replaces lysine 2181 with arginine.
Molecular consequence: missense variant.
Genome position (GRCh38, 1-based): chr9:136,497,197, T>C on the plus strand (A>G on the coding strand, the complement: NOTCH1 is on the minus strand). VCF-style: chr9-136497197-T-C. GRCh37 (hg19) VCF-style: chr9-139391649-T-C.
Other names: p.Lys2181Arg; c.6542A>G (NM_017617.3); short protein forms K2181R.
Identifiers: ClinVar variation 1415929 (VCV001415929.9), dbSNP rs746372139, ClinGen allele CA5339875.
Genomic context (GRCh38, chr9:136,497,197, plus strand): 5'-TCCACGGGCGAGAGCATGCCGGAGCTGTCCAGCAGGCAGCCCTTGCCGTCCTGGGACTTC[T>C]TCCTCCGTGCCTTGAGGTCCTTGGCCTCCTTGCTTCCACAGGCCAGGCCTTTGCTGCTGG-3'
Protein context (NP_060087.3, residues 2171-2191): KEAKDLKARR[Lys2181Arg]KSQDGKGCLL